The following is an entry in ClinVar:

ClinVar aggregate classification (germline): Likely pathogenic (1 of 4 stars; one submission).

Conditions:
Hypertrophic cardiomyopathy. Also called: HYPERTROPHIC MYOCARDIOPATHY. Identifiers: Orphanet 217569, MedGen C0007194, MeSH D002312, MONDO:0005045, HP:0001639.

Submission:

Labcorp Genetics (formerly Invitae), Labcorp
Classification: Likely pathogenic for Hypertrophic cardiomyopathy. Last evaluated: 2024-04-17. Review status: criteria provided, single submitter. Criteria: Invitae Variant Classification Sherloc (09022015). Collection method: clinical testing. Allele origin: germline.
Comment: This sequence change affects a donor splice site in intron 6 of the TNNI3 gene. It is expected to disrupt RNA splicing. Variants that disrupt the donor or acceptor splice site typically lead to a loss of protein function (PMID: 16199547), and loss-of-function variants in TNNI3 are known to be pathogenic (PMID: 31568572, 34036930, 35838873). This variant is not present in population databases (gnomAD no frequency). This variant has not been reported in the literature in individuals affected with TNNI3-related conditions. ClinVar contains an entry for this variant (Variation ID: 1044808). Algorithms developed to predict the effect of sequence changes on RNA splicing suggest that this variant may disrupt the consensus splice site. In summary, the currently available evidence indicates that the variant is pathogenic, but additional data are needed to prove that conclusively. Therefore, this variant has been classified as Likely Pathogenic.

Literature cited by the submitters: PubMed 16199547; PubMed 31568572; PubMed 34036930; PubMed 35838873.

NM_000363.5(TNNI3):c.372+1G>A

Gene: TNNI3 (troponin I3, cardiac type; minus strand). Cytogenetic location: 19q13.42.
Variant type: single nucleotide variant.
Coding change: c.372+1G>A on transcript NM_000363.5 (MANE Select); the canonical splice donor site of the intron after coding-DNA position 372, G replaced by A.
Molecular consequence: splice donor variant.
Genome position (GRCh38, 1-based): chr19:55,154,740, C>T on the plus strand (G>A on the coding strand, the complement: TNNI3 is on the minus strand). VCF-style: chr19-55154740-C-T. GRCh37 (hg19) VCF-style: chr19-55666108-C-T.
Identifiers: ClinVar variation 1044808 (VCV001044808.7), dbSNP rs111406690, ClinGen allele CA310148812.